The following is an entry in ClinVar:

NM_000362.5(TIMP3):c.498C>T (p.Thr166=)

Genes: SYN3 (synapsin III; minus strand), TIMP3 (TIMP metallopeptidase inhibitor 3; plus strand). Cytogenetic location: 22q12.3.
Variant type: single nucleotide variant.
Coding change: c.498C>T on transcript NM_000362.5 (MANE Select); coding-DNA position 498, C replaced by T.
Protein change: p.Thr166=; no amino-acid change (threonine 166 retained).
Molecular consequence: synonymous variant. On other transcripts: intron variant (7).
Genome position (GRCh38, 1-based): chr22:32,859,239, C>T. VCF-style: chr22-32859239-C-T. GRCh37 (hg19) VCF-style: chr22-33255226-C-T.
Other names: c.708+5676G>A (NM_001369909.1, NM_001135774.2, NM_001369910.1); c.711+5676G>A (NM_001369907.1, NM_003490.4, NM_001369908.1 and 1 more transcripts); c.498C>T (NM_000362.4).
Identifiers: ClinVar variation 1110622 (VCV001110622.10), dbSNP rs769440155, ClinGen allele CA10202276.

ClinVar aggregate classification (germline): Likely benign. Review status: criteria provided, multiple submitters, no conflicts (2 of 4 stars). 2 submissions from 2 submitters: Likely benign (2). Last evaluated 2025-08-05.

Conditions:
TIMP3-related disorder. Also called: TIMP3-related condition.

Allele frequency attached by ClinVar (database versions not stated): ExAC 0.00001; gnomAD exomes 0.00001 and 0.00002; TOPMed 0.00001.
gnomAD v4.1: 13 of 1,614,156 alleles (0.00081%); highest among the groups gnomAD compares: Admixed American, 0.0067%; no homozygotes.

Submissions (2):

PreventionGenetics, part of Exact Sciences
Classification: Likely benign for TIMP3-related condition. Last evaluated: 2025-08-05. Review status: criteria provided, single submitter. Criteria: ACMG Guidelines, 2015. Collection method: clinical testing. Allele origin: germline.
Comment: This variant is classified as likely benign based on ACMG/AMP sequence variant interpretation guidelines (Richards et al. 2015 PMID: 25741868, with internal and published modifications).

Labcorp Genetics (formerly Invitae), Labcorp
Classification: Likely benign. Last evaluated: 2025-05-23. Review status: criteria provided, single submitter. Criteria: Invitae Variant Classification Sherloc (09022015). Collection method: clinical testing. Allele origin: germline.